The following is an entry in ClinVar:

ClinVar aggregate classification (germline): Pathogenic. Review status: criteria provided, multiple submitters, no conflicts (2 of 4 stars). 2 submissions from 2 submitters: Pathogenic (2). Last evaluated 2025-02-01.

Conditions:
Hereditary spastic paraplegia 4. Also called: Spastic Paraplegia 4; Familial spastic paraplegia autosomal dominant 2; Spastic paraplegia 4, autosomal dominant. Identifiers: Orphanet 100985, MedGen C1866855, MONDO:0008438, OMIM 182601.

Submissions (2):

CeGaT Center for Human Genetics Tuebingen
Classification: Pathogenic. Last evaluated: 2025-02-01. Review status: criteria provided, single submitter. Criteria: CeGaT Center For Human Genetics Tuebingen Variant Classification Criteria Version 2. Collection method: clinical testing. Allele origin: germline. Affected: yes. Observed: 1 variant allele.
Comment: SPAST: PVS1, PP1:Strong, PM2, PS4:Moderate

Paris Brain Institute, Inserm - ICM
Classification: Pathogenic for Hereditary spastic paraplegia 4. Review status: criteria provided, single submitter. Criteria: ACMG Guidelines, 2015. Collection method: clinical testing. Allele origin: unknown. Affected: yes. Observed: 1 variant allele.

NM_014946.4(SPAST):c.870+3A>G

Gene: SPAST (spastin; plus strand). Cytogenetic location: 2p22.3.
Variant type: single nucleotide variant.
Coding change: c.870+3A>G on transcript NM_014946.4 (MANE Select); 3 bases into the intron after coding-DNA position 870, A replaced by G.
Molecular consequence: intron variant.
Genome position (GRCh38, 1-based): chr2:32,114,828, A>G. VCF-style: chr2-32114828-A-G. GRCh37 (hg19) VCF-style: chr2-32339897-A-G.
Other names: c.774+3A>G (NM_199436.2, NM_001377959.1); c.867+3A>G (NM_001363823.2); c.771+3A>G (NM_001363875.2).
Identifiers: ClinVar variation 989095 (VCV000989095.14), dbSNP rs1553314979, ClinGen allele CA1242491414.